The following is an entry in ClinVar:

ClinVar aggregate classification (germline): Uncertain significance. Review status: criteria provided, multiple submitters, no conflicts (2 of 4 stars). 2 submissions from 2 submitters: Uncertain significance (2). Last evaluated 2021-08-26.

Conditions:
Carpal tunnel syndrome 2. Identifiers: MedGen C5436916, MONDO:0030883, OMIM 619161.
Multiple epiphyseal dysplasia type 1. Also called: COMP-Related Multiple Epiphyseal Dysplasia. Identifiers: Orphanet 93308, MedGen C1838280, MONDO:0007561, OMIM 132400.
Pseudoachondroplastic spondyloepiphyseal dysplasia syndrome (PSACH). Also called: COMP-Related Pseudoachondroplasia; PSEUDOACHONDROPLASTIC DYSPLASIA; Pseudoachondroplasia. Identifiers: Orphanet 750, MedGen C0410538, MONDO:0008322, OMIM 177170.

Allele frequency attached by ClinVar (database versions not stated): gnomAD 0.00001; gnomAD exomes 0.00001; ExAC 0.00002; ESP Exome Variant Server 0.00008.
gnomAD v4.1: 16 of 1,612,076 alleles (0.00099%); highest among the groups gnomAD compares: South Asian, 0.0088%; no homozygotes.

Submissions (2):

Labcorp Genetics (formerly Invitae), Labcorp
Classification: Uncertain significance. Last evaluated: 2021-08-26. Review status: criteria provided, single submitter. Criteria: Invitae Variant Classification Sherloc (09022015). Collection method: clinical testing. Allele origin: germline.
Comment: This variant has not been reported in the literature in individuals affected with COMP-related conditions. This variant is present in population databases (rs138174876, ExAC 0.009%). This sequence change replaces arginine with histidine at codon 740 of the COMP protein (p.Arg740His). The arginine residue is highly conserved and there is a small physicochemical difference between arginine and histidine. In summary, the available evidence is currently insufficient to determine the role of this variant in disease. Therefore, it has been classified as a Variant of Uncertain Significance. Advanced modeling of protein sequence and biophysical properties (such as structural, functional, and spatial information, amino acid conservation, physicochemical variation, residue mobility, and thermodynamic stability) performed at Invitae indicates that this missense variant is expected to disrupt COMP protein function.

Juno Genomics, Hangzhou Juno Genomics, Inc
Classification: Uncertain significance for Carpal tunnel syndrome 2; Multiple epiphyseal dysplasia type 1; Pseudoachondroplastic spondyloepiphyseal dysplasia syndrome. Review status: criteria provided, single submitter. Criteria: ACMG Guidelines, 2015. Collection method: clinical testing. Allele origin: germline.
Comment: Absent from controls (or at extremely low frequency if recessive) in Genome Aggregation Database.;Multiple lines of computational evidence support a deleterious effect on the gene or gene product.

NM_000095.3(COMP):c.2219G>A (p.Arg740His)

Gene: COMP (cartilage oligomeric matrix protein; minus strand). Cytogenetic location: 19p13.11.
Variant type: single nucleotide variant.
Coding change: c.2219G>A on transcript NM_000095.3 (MANE Select); coding-DNA position 2219, G replaced by A.
Protein change: p.Arg740His; replaces arginine 740 with histidine.
Molecular consequence: missense variant.
Genome position (GRCh38, 1-based): chr19:18,783,062, C>T on the plus strand (G>A on the coding strand, the complement: COMP is on the minus strand). VCF-style: chr19-18783062-C-T. GRCh37 (hg19) VCF-style: chr19-18893872-C-T.
Other names: short protein forms R740H.
Identifiers: ClinVar variation 1377568 (VCV001377568.8), dbSNP rs138174876, ClinGen allele CA9316147.
Genomic context (GRCh38, chr19:18,783,062, plus strand): 5'-GCAGGGCCTGTGTGCAGACTCCCCGCCCACGGCCCGCTGGCCCTCGGCTCACCATTGCAG[C>T]GGTAACGCAGGTTGGCCCAGATGATGTTCTCCTGGGAGAAGCAGAAGACCCCCAGGCGGC-3'
Protein context (NP_000086.2, residues 730-750): ENIIWANLRY[Arg740His]CNDTIPEDYE